The following is an entry in ClinVar:

ClinVar aggregate classification (germline): Uncertain significance. Review status: criteria provided, multiple submitters, no conflicts (2 of 4 stars). 5 submissions from 5 submitters: Uncertain significance (5). Last evaluated 2026-01-12.

Conditions:
Tuberous sclerosis syndrome (TSC). Also called: Tuberous Sclerosis Complex; Tuberous sclerosis. Identifiers: Orphanet 805, MedGen C0041341, MONDO:0001734.
Hereditary cancer-predisposing syndrome. Also called: Hereditary Cancer Syndrome; Neoplastic Syndromes, Hereditary; Hereditary neoplastic syndrome; Tumor predisposition. Identifiers: Orphanet 140162, MedGen C0027672, MeSH D009386, MONDO:0015356.
Tuberous sclerosis 1 (TSC1). Identifiers: Orphanet 805, MedGen C1854465, MONDO:0008612, OMIM 191100.

Allele frequency attached by ClinVar (database versions not stated): TOPMed below 0.00001; gnomAD 0.00001.
gnomAD v4.1: 32 of 1,613,838 alleles (0.002%); highest among the groups gnomAD compares: Non-Finnish European, 0.0026%; no homozygotes.

Submissions (5):

Labcorp Genetics (formerly Invitae), Labcorp
Classification: Uncertain significance for Tuberous sclerosis 1. Last evaluated: 2026-01-12. Review status: criteria provided, single submitter. Criteria: Invitae Variant Classification Sherloc (09022015). Collection method: clinical testing. Allele origin: germline.
Comment: This sequence change replaces alanine, which is neutral and non-polar, with proline, which is neutral and non-polar, at codon 522 of the TSC1 protein (p.Ala522Pro). This variant is not present in population databases (gnomAD no frequency). This variant has not been reported in the literature in individuals affected with TSC1-related conditions. ClinVar contains an entry for this variant (Variation ID: 819521). Invitae Evidence Modeling of protein sequence and biophysical properties (such as structural, functional, and spatial information, amino acid conservation, physicochemical variation, residue mobility, and thermodynamic stability) indicates that this missense variant is not expected to disrupt TSC1 protein function with a negative predictive value of 95%. In summary, the available evidence is currently insufficient to determine the role of this variant in disease. Therefore, it has been classified as a Variant of Uncertain Significance.

All of Us Research Program, National Institutes of Health
Classification: Uncertain significance for Tuberous sclerosis syndrome. Last evaluated: 2024-07-20. Review status: criteria provided, single submitter. Criteria: ACMG Guidelines, 2015. Collection method: clinical testing. Allele origin: germline. Inheritance: Autosomal dominant inheritance. Observed: 1 variant allele, 1 heterozygote.
Comment: This missense variant replaces alanine with proline at codon 522 of the TSC1 protein. Computational prediction suggests that this variant may not impact protein structure and function. To our knowledge, functional studies have not been reported for this variant. This variant has not been reported in individuals affected with TSC1-related disorders in the literature. This variant has not been identified in the general population by the Genome Aggregation Database (gnomAD). The available evidence is insufficient to determine the role of this variant in disease conclusively. Therefore, this variant is classified as a Variant of Uncertain Significance.

This study involves interpretation of variants in research participants for the purpose of population health screening. Participant phenotype was not available at the time of variant classification. Additional details can be found in publication PMID: 35346344, PMCID: PMC8962531

ARUP Laboratories, Molecular Genetics and Genomics, ARUP Laboratories
Classification: Uncertain significance. Last evaluated: 2024-05-09. Review status: criteria provided, single submitter. Criteria: ARUP Molecular Germline Variant Investigation Process 2024. Collection method: clinical testing. Allele origin: germline.

Ambry Genetics
Classification: Uncertain significance for Hereditary cancer-predisposing syndrome. Last evaluated: 2023-08-27. Review status: criteria provided, single submitter. Criteria: Ambry Variant Classification Scheme 2023. Collection method: clinical testing. Allele origin: germline.
Comment: The p.A522P variant (also known as c.1564G>C), located in coding exon 13 of the TSC1 gene, results from a G to C substitution at nucleotide position 1564. The alanine at codon 522 is replaced by proline, an amino acid with highly similar properties. This amino acid position is not well conserved in available vertebrate species. In addition, the in silico prediction for this alteration is inconclusive. Since supporting evidence is limited at this time, the clinical significance of this alteration remains unclear.

Genome-Nilou Lab
Classification: Uncertain significance for Tuberous sclerosis 1. Last evaluated: 2021-11-07. Review status: criteria provided, single submitter. Criteria: ACMG Guidelines, 2015. Collection method: clinical testing. Allele origin: germline. Affected: no.

NM_000368.5(TSC1):c.1564G>C (p.Ala522Pro)

Gene: TSC1 (TSC complex subunit 1; minus strand). Cytogenetic location: 9q34.13.
Variant type: single nucleotide variant.
Coding change: c.1564G>C on transcript NM_000368.5 (MANE Select); coding-DNA position 1564, G replaced by C.
Protein change: p.Ala522Pro; replaces alanine 522 with proline.
Molecular consequence: missense variant.
Genome position (GRCh38, 1-based): chr9:132,906,014, C>G on the plus strand (G>C on the coding strand, the complement: TSC1 is on the minus strand). VCF-style: chr9-132906014-C-G. GRCh37 (hg19) VCF-style: chr9-135781401-C-G.
Other names: c.1561G>C, p.Ala521Pro (NM_001162426.2); c.1411G>C, p.Ala471Pro (NM_001162427.2); c.1201G>C, p.Ala401Pro (NM_001362177.2); short protein forms A401P, A471P, A522P, A521P.
Identifiers: ClinVar variation 819521 (VCV000819521.15), dbSNP rs1461138345, ClinGen allele CA375365072.